The following is an entry in ClinVar:

NM_000548.5(TSC2):c.1600G>A (p.Val534Met)

Gene: TSC2 (TSC complex subunit 2; plus strand). Cytogenetic location: 16p13.3.
Variant type: single nucleotide variant.
Coding change: c.1600G>A on transcript NM_000548.5 (MANE Select); coding-DNA position 1600, G replaced by A.
Protein change: p.Val534Met; replaces valine 534 with methionine.
Molecular consequence: missense variant.
Genome position (GRCh38, 1-based): chr16:2,065,519, G>A. VCF-style: chr16-2065519-G-A. GRCh37 (hg19) VCF-style: chr16-2115520-G-A.
Other names: c.1600G>A, p.Val534Met (NM_001077183.3, NM_001114382.3, NM_001363528.2 and 3 more transcripts); c.1489G>A, p.Val497Met (NM_001318827.2); c.1453G>A, p.Val485Met (NM_001318829.2); c.1000G>A, p.Val334Met (NM_001318831.2); c.1633G>A, p.Val545Met (NM_001318832.2); short protein forms V334M, V497M, V485M, V534M, V545M.
Identifiers: ClinVar variation 651678 (VCV000651678.15), dbSNP rs587778729, ClinGen allele CA394267527.
Genomic context (GRCh38, chr16:2,065,519, plus strand): 5'-CTCACGGCTGCTGACTCAGAACCATGAGCCTGTGTGTAAGTCCTGGCCTTCTCTTCAAAG[G>A]TGATGGCCCGCTCCCTCTCCCCACCCCCGGAGCTGGAAGAAAGGGATGTGGCCGCATACT-3'
Protein context (NP_000539.2, residues 524-544): FNSLLDIIEK[Val534Met]MARSLSPPPE

ClinVar aggregate classification (germline): Conflicting classifications of pathogenicity. Review status: criteria provided, conflicting classifications (1 of 4 stars). 3 submissions from 3 submitters: Uncertain significance (2); Likely benign (1). Last evaluated 2024-12-02.

Conditions:
Hereditary cancer-predisposing syndrome. Also called: Hereditary Cancer Syndrome; Tumor predisposition; Neoplastic Syndromes, Hereditary; Hereditary neoplastic syndrome. Identifiers: Orphanet 140162, MedGen C0027672, MeSH D009386, MONDO:0015356.
Tuberous sclerosis 2 (TSC2). Identifiers: Orphanet 805, MedGen C1860707, MONDO:0013199, OMIM 613254.

gnomAD v4.1: 3 of 1,612,878 alleles (0.00019%); highest among the groups gnomAD compares: Admixed American, 0.0017%; no homozygotes.

Submissions (3):

Labcorp Genetics (formerly Invitae), Labcorp
Classification: Likely benign for Tuberous sclerosis 2. Last evaluated: 2024-12-02. Review status: criteria provided, single submitter. Criteria: Invitae Variant Classification Sherloc (09022015). Collection method: clinical testing. Allele origin: germline.

Ambry Genetics
Classification: Uncertain significance for Hereditary cancer-predisposing syndrome. Last evaluated: 2023-10-20. Review status: criteria provided, single submitter. Criteria: Ambry Variant Classification Scheme 2023. Collection method: clinical testing. Allele origin: germline.
Comment: The p.V534M variant (also known as c.1600G>A) is located in coding exon 15 of the TSC2 gene. The valine at codon 534 is replaced by methionine, an amino acid with highly similar properties. This change occurs in the first base pair of coding exon 15. This amino acid position is highly conserved in available vertebrate species. In addition, the in silico prediction for this alteration is inconclusive. Since supporting evidence is limited at this time, the clinical significance of this alteration remains unclear.

Genome-Nilou Lab
Classification: Uncertain significance for Tuberous sclerosis 2. Last evaluated: 2021-11-07. Review status: criteria provided, single submitter. Criteria: ACMG Guidelines, 2015. Collection method: clinical testing. Allele origin: germline. Affected: no.